The following is an entry in ClinVar:

ClinVar aggregate classification (germline): Uncertain significance (1 of 4 stars; one submission).

Conditions:
NRP1-related disorder. Also called: NRP1-related condition.

gnomAD v4.1: 3 of 1,613,798 alleles (0.00019%); highest among the groups gnomAD compares: Admixed American, 0.0033%; no homozygotes.

Submission:

PreventionGenetics, part of Exact Sciences
Classification: Uncertain significance for NRP1-related condition. Last evaluated: 2025-04-04. Review status: criteria provided, single submitter. Criteria: ACMG Guidelines, 2015. Collection method: clinical testing. Allele origin: germline.
Comment: The NRP1 c.202A>G variant is predicted to result in the amino acid substitution p.Met68Val. To our knowledge, this variant has not been reported in the literature. This variant is reported in 0.0033% of alleles in individuals of South Asian descent in gnomAD. At this time, the clinical significance of this variant is uncertain due to the absence of conclusive functional and genetic evidence.

NM_003873.7(NRP1):c.202A>G (p.Met68Val)

Gene: NRP1 (neuropilin 1; minus strand). Cytogenetic location: 10p11.22.
Variant type: single nucleotide variant.
Coding change: c.202A>G on transcript NM_003873.7 (MANE Select); coding-DNA position 202, A replaced by G.
Protein change: p.Met68Val; replaces methionine 68 with valine.
Molecular consequence: missense variant. On other transcripts: non-coding transcript variant (1).
Genome position (GRCh38, 1-based): chr10:33,330,754, T>C on the plus strand (A>G on the coding strand, the complement: NRP1 is on the minus strand). VCF-style: chr10-33330754-T-C. GRCh37 (hg19) VCF-style: chr10-33619682-T-C.
Other names: c.202A>G, p.Met68Val (NM_001024628.3, NM_001024629.3, NM_001244972.2 and 2 more transcripts); short protein forms M68V.
Identifiers: ClinVar variation 3351463 (VCV003351463.2).